The following is an entry in ClinVar:

NM_001486.4(GCKR):c.1168G>A (p.Glu390Lys)

Gene: GCKR (glucokinase regulator; plus strand). Cytogenetic location: 2p23.3.
Variant type: single nucleotide variant.
Coding change: c.1168G>A on transcript NM_001486.4 (MANE Select); coding-DNA position 1168, G replaced by A.
Protein change: p.Glu390Lys; replaces glutamic acid 390 with lysine.
Molecular consequence: missense variant.
Genome position (GRCh38, 1-based): chr2:27,507,705, G>A. VCF-style: chr2-27507705-G-A. GRCh37 (hg19) VCF-style: chr2-27730572-G-A.
Other names: short protein forms E390K.
Identifiers: ClinVar variation 2057600 (VCV002057600.4), dbSNP rs2466119190, ClinGen allele CA346418767.

ClinVar aggregate classification (germline): Uncertain significance (1 of 4 stars; one submission).

Allele frequency attached by ClinVar (database versions not stated): gnomAD exomes below 0.00001.
gnomAD v4.1: 1 of 1,606,818 alleles (0.000062%); highest among the groups gnomAD compares: Non-Finnish European, 0.000085%; no homozygotes.

Submission:

Labcorp Genetics (formerly Invitae), Labcorp
Classification: Uncertain significance. Last evaluated: 2022-03-04. Review status: criteria provided, single submitter. Criteria: Invitae Variant Classification Sherloc (09022015). Collection method: clinical testing. Allele origin: germline.
Comment: This variant has not been reported in the literature in individuals affected with GCKR-related conditions. This variant is not present in population databases (gnomAD no frequency). This sequence change replaces glutamic acid, which is acidic and polar, with lysine, which is basic and polar, at codon 390 of the GCKR protein (p.Glu390Lys). In summary, the available evidence is currently insufficient to determine the role of this variant in disease. Therefore, it has been classified as a Variant of Uncertain Significance. Algorithms developed to predict the effect of missense changes on protein structure and function output the following: SIFT: "Deleterious"; PolyPhen-2: "Possibly Damaging"; Align-GVGD: "Class C15". The lysine amino acid residue is found in multiple mammalian species, which suggests that this missense change does not adversely affect protein function.